The following is an entry in ClinVar:

NM_001191061.2(SLC25A22):c.876G>A (p.Ala292=)

Gene: SLC25A22 (solute carrier family 25 member 22; minus strand). Cytogenetic location: 11p15.5.
Variant type: single nucleotide variant.
Coding change: c.876G>A on transcript NM_001191061.2 (MANE Select); coding-DNA position 876, G replaced by A.
Protein change: p.Ala292=; no amino-acid change (alanine 292 retained).
Molecular consequence: synonymous variant.
Genome position (GRCh38, 1-based): chr11:792,011, C>T on the plus strand (G>A on the coding strand, the complement: SLC25A22 is on the minus strand). VCF-style: chr11-792011-C-T. GRCh37 (hg19) VCF-style: chr11-792011-C-T.
Other names: p.A292A:GCG>GCA; p.Ala292=; c.876G>A, p.Ala292= (NM_001191060.2, NM_024698.6); c.876G>A (NM_001191060.1).
Identifiers: ClinVar variation 139145 (VCV000139145.71), dbSNP rs146300431, ClinGen allele CA295159.

ClinVar aggregate classification (germline): Conflicting classifications of pathogenicity. Review status: criteria provided, conflicting classifications (1 of 4 stars). 13 submissions from 13 submitters: Uncertain significance (2); Benign (2); Likely benign (8). 1 of the submissions does not count toward it. Last evaluated 2026-01-27.

Conditions:
Developmental and epileptic encephalopathy, 3 (DEE3). Also called: Epileptic encephalopathy, early infantile, 3. Identifiers: MedGen C5574665, MONDO:0012245, OMIM 609304.
SLC25A22-related disorder. Also called: SLC25A22-related condition.
Early-infantile DEE. Also called: Early infantile epileptic encephalopathy; Early infantile epileptic encephalopathy with suppression bursts; Ohtahara syndrome. Identifiers: Orphanet 1934, MedGen C0393706, MONDO:0800491.
Inborn genetic diseases. Identifiers: MedGen C0950123, MeSH D030342.
Early Myoclonic Encephalopathy. Identifiers: MedGen C0270855.

Allele frequency attached by ClinVar (database versions not stated): 1000 Genomes Project 30x 0.00031; 1000 Genomes Project 0.00040; gnomAD 0.00058; TOPMed 0.00069; ESP Exome Variant Server 0.00100.

Submissions (13):

Labcorp Genetics (formerly Invitae), Labcorp
Classification: Likely benign for Early-infantile DEE. Last evaluated: 2026-01-27. Review status: criteria provided, single submitter. Criteria: Invitae Variant Classification Sherloc (09022015). Collection method: clinical testing. Allele origin: germline.

Mayo Clinic Laboratories, Mayo Clinic
Classification: Likely benign. Last evaluated: 2025-10-07. Review status: criteria provided, single submitter. Criteria: ACMG Guidelines, 2015. Collection method: clinical testing. Allele origin: germline. Observed: 2 variant alleles.
Comment: BS1, BP4, BP7

CeGaT Center for Human Genetics Tuebingen
Classification: Likely benign. Last evaluated: 2025-04-01. Review status: criteria provided, single submitter. Criteria: CeGaT Center For Human Genetics Tuebingen Variant Classification Criteria Version 2. Collection method: clinical testing. Allele origin: germline. Affected: yes. Observed: 8 variant alleles.
Comment: SLC25A22: BP4, BP7

Blueprint Genetics
Classification: Likely benign. Last evaluated: 2024-11-18. Review status: criteria provided, single submitter. Criteria: ACMG Guidelines, 2015. Collection method: clinical testing. Allele origin: germline.

Center for Genomics, Ann and Robert H. Lurie Children's Hospital of Chicago
Classification: Likely benign for Developmental and epileptic encephalopathy, 3. Last evaluated: 2022-09-28. Review status: criteria provided, single submitter. Criteria: ACMG Guidelines, 2015. Collection method: clinical testing. Allele origin: germline.
Comment: This variant has not been reported in the literature but is present in the Genome Aggregation Database (Highest reported MAF 0.1% (71/68034). This variant is present in ClinVar, with several labs classifying this variant as Likely Benign or Benign (Variation ID:139145). Evolutionary conservation and computational predictive tools for this variant are limited or unavailable. Of note, this variant is a silent variant and does not change the amino acid, reducing the probability that this variant is disease causing. In summary, data on this variant suggests that this variant does not cause disease but requires further evidence. Therefore, this variant is classified as likely benign.

Athena Diagnostics
Classification: Benign. Last evaluated: 2020-04-07. Review status: criteria provided, single submitter. Criteria: Athena Diagnostics Criteria. Collection method: clinical testing. Allele origin: unknown.

Eurofins Ntd Llc (ga)
Classification: Uncertain significance. Last evaluated: 2018-07-10. Review status: criteria provided, single submitter. Criteria: EGL ClinVar v180209 classification definitions. Collection method: clinical testing. Allele origin: germline. Observed: 2 variant alleles, 2 heterozygotes.

ARUP Laboratories, Molecular Genetics and Genomics, ARUP Laboratories
Classification: Likely benign. Last evaluated: 2018-03-07. Review status: criteria provided, single submitter. Criteria: ARUP Molecular Germline Variant Investigation Process. Collection method: clinical testing. Allele origin: germline.
Comment: The c.876G>A variant (rs146300431) does not alter the amino acid sequence of the SLC25A22 protein and computational splice site prediction algorithms do not predict a change in the nearest splice site or creation of a cryptic splice site. Furthermore, the nucleotide at position 876 is not conserved (Alamut software v2.10.0). To our knowledge, this variant has not been reported in the medical literature, but it is reported in the ClinVar database (Variation ID: 139145). This variant is found in the general population with an overall allele frequency of 0.072% (185/257,976 alleles) in the Genome Aggregation Database. Based on these observations, the c.876G>A variant is likely to be benign.

Illumina Laboratory Services, Illumina
Classification: Uncertain significance for Developmental and epileptic encephalopathy, 3. Last evaluated: 2018-01-13. Review status: criteria provided, single submitter. Criteria: ICSL Variant Classification Criteria 13 December 2019. Collection method: clinical testing. Allele origin: germline.

Ambry Genetics
Classification: Likely benign for Inborn genetic diseases. Last evaluated: 2016-12-08. Review status: criteria provided, single submitter. Criteria: Ambry Variant Classification Scheme 2023. Collection method: clinical testing. Allele origin: germline.

GeneDx
Classification: Benign. Last evaluated: 2014-01-07. Review status: criteria provided, single submitter. Criteria: GeneDx Variant Classification (06012015). Collection method: clinical testing. Allele origin: germline. Affected: yes.
Comment: This variant is considered likely benign or benign based on one or more of the following criteria: it is a conservative change, it occurs at a poorly conserved position in the protein, it is predicted to be benign by multiple in silico algorithms, and/or has population frequency not consistent with disease.

Genetic Services Laboratory, University of Chicago
Classification: Likely benign. Last evaluated: 2013-06-06. Review status: criteria provided, single submitter. Criteria: ACMG Guidelines, 2007. Collection method: clinical testing. Allele origin: germline. Inheritance: Autosomal recessive inheritance.

PreventionGenetics, part of Exact Sciences
Classification: Likely benign for SLC25A22-related condition. Last evaluated: 2019-09-27. Review status: no assertion criteria provided. Collection method: clinical testing. Allele origin: germline. Not counted in ClinVar's aggregate classification.
Comment: This variant is classified as likely benign based on ACMG/AMP sequence variant interpretation guidelines (Richards et al. 2015 PMID: 25741868, with internal and published modifications).